The following is an entry in ClinVar:

NM_080732.4(EGLN2):c.838A>G (p.Thr280Ala)

Genes: EGLN2 (egl-9 family hypoxia inducible factor 2; plus strand), RAB4B-EGLN2 (RAB4B-EGLN2 readthrough (NMD candidate); plus strand). Cytogenetic location: 19q13.2.
Variant type: single nucleotide variant.
Coding change: c.838A>G on transcript NM_080732.4 (MANE Select); coding-DNA position 838, A replaced by G.
Protein change: p.Thr280Ala; replaces threonine 280 with alanine.
Molecular consequence: missense variant. On other transcripts: non-coding transcript variant (1).
Genome position (GRCh38, 1-based): chr19:40,801,410, A>G. VCF-style: chr19-40801410-A-G. GRCh37 (hg19) VCF-style: chr19-41307315-A-G.
Other names: c.838A>G, p.Thr280Ala (NM_053046.4); short protein forms T280A.
Identifiers: ClinVar variation 1763179 (VCV001763179.2), dbSNP rs2515995852, ClinGen allele CA405956079.

ClinVar aggregate classification (germline): Uncertain significance (1 of 4 stars; one submission).

Submission:

Ambry Genetics
Classification: Uncertain significance. Last evaluated: 2022-07-12. Review status: criteria provided, single submitter. Criteria: Ambry Variant Classification Scheme 2023. Collection method: clinical testing. Allele origin: germline.
Comment: The p.T280A variant (also known as c.838A>G), located in coding exon 1 of the EGLN2 gene, results from an A to G substitution at nucleotide position 838. The threonine at codon 280 is replaced by alanine, an amino acid with similar properties. This amino acid position is conserved. In addition, the in silico prediction for this alteration is inconclusive. Since supporting evidence is limited at this time, the clinical significance of this alteration remains unclear.